The following is an entry in ClinVar:

NM_000038.6(APC):c.148_149insTT (p.Gln50fs)

Gene: APC (APC regulator of Wnt signaling pathway; plus strand). Cytogenetic location: 5q22.2.
Variant type: Insertion.
Coding change: c.148_149insTT on transcript NM_000038.6 (MANE Select); coding-DNA positions 148 to 149, TT inserted.
Protein change: p.Gln50fs; shifts the reading frame from glutamine 50.
Molecular consequence: frameshift variant. On other transcripts: 5 prime UTR variant (4).
Genome position: GRCh38 VCF-style: chr5-112766338-C-CTT. GRCh37 (hg19) VCF-style: chr5-112102035-C-CTT.
Other names: c.148_149insTT, p.Gln50fs (NM_001127510.3, NM_001354895.2, NM_001354896.2 and 2 more transcripts); c.178_179insTT, p.Gln60fs (NM_001127511.3, NM_001354897.2, NM_001354902.2); c.73_74insTT, p.Gln25fs (NM_001354898.2, NM_001354904.2); c.-30_-29insTT (NM_001354900.2, NM_001354901.2, NM_001354905.2 and 1 more transcripts); c.-888_-887insTT (NM_001354906.2, NM_001407470.1, NM_001407471.1 and 1 more transcripts); c.178_179insTT, p.Gln60Leufs (NM_001407446.1); c.148_149insTT, p.Gln50Leufs (NM_001407447.1, NM_001407448.1, NM_001407449.1 and 11 more transcripts); c.73_74insTT, p.Gln25Leufs (NM_001407451.1); short protein forms Q25fs, Q50fs, Q60fs.
Identifiers: ClinVar variation 1773554 (VCV001773554.2), dbSNP rs2532270803, ClinGen allele CA2580072250.

ClinVar aggregate classification (germline): Pathogenic (1 of 4 stars; one submission).

Conditions:
Hereditary cancer-predisposing syndrome. Also called: Hereditary Cancer Syndrome; Hereditary neoplastic syndrome; Neoplastic Syndromes, Hereditary; Tumor predisposition. Identifiers: Orphanet 140162, MedGen C0027672, MeSH D009386, MONDO:0015356.

Submission:

Ambry Genetics
Classification: Pathogenic for Hereditary cancer-predisposing syndrome. Last evaluated: 2022-08-18. Review status: criteria provided, single submitter. Criteria: Ambry Variant Classification Scheme 2023. Collection method: clinical testing. Allele origin: germline.
Comment: The c.148_149insTT pathogenic mutation, located in coding exon 2 of the APC gene, results from an insertion of two nucleotides at position 148, causing a translational frameshift with a predicted alternate stop codon (p.Q50Lfs*21). This variant is considered to be rare based on population cohorts in the Genome Aggregation Database (gnomAD). This alteration is expected to result in loss of function by premature protein truncation or nonsense-mediated mRNA decay. As such, this alteration is interpreted as a disease-causing mutation.